The following is an entry in ClinVar:

ClinVar aggregate classification (germline): Uncertain significance (1 of 4 stars; one submission).

Conditions:
CREBBP-related disorder. Also called: CREBBP-related condition; CREBBP-related disorders.

Submission:

PreventionGenetics, part of Exact Sciences
Classification: Uncertain significance for CREBBP-related condition. Last evaluated: 2024-10-09. Review status: criteria provided, single submitter. Criteria: ACMG Guidelines, 2015. Collection method: clinical testing. Allele origin: germline.
Comment: The CREBBP c.2935G>A variant is predicted to result in the amino acid substitution p.Ala979Thr. To our knowledge, this variant has not been reported in the literature or in a large population database (gnomAD), indicating this variant is rare. At this time, the clinical significance of this variant is uncertain due to the absence of conclusive functional and genetic evidence.

NM_004380.3(CREBBP):c.2935G>A (p.Ala979Thr)

Gene: CREBBP (CREB binding lysine acetyltransferase; minus strand). Cytogenetic location: 16p13.3.
Variant type: single nucleotide variant.
Coding change: c.2935G>A on transcript NM_004380.3 (MANE Select); coding-DNA position 2935, G replaced by A.
Protein change: p.Ala979Thr; replaces alanine 979 with threonine.
Molecular consequence: missense variant.
Genome position (GRCh38, 1-based): chr16:3,769,299, C>T on the plus strand (G>A on the coding strand, the complement: CREBBP is on the minus strand). VCF-style: chr16-3769299-C-T. GRCh37 (hg19) VCF-style: chr16-3819300-C-T.
Other names: c.2821G>A, p.Ala941Thr (NM_001079846.1); short protein forms A941T, A979T.
Identifiers: ClinVar variation 4998579 (VCV004998579.1).
Genomic context (GRCh38, chr16:3,769,299, plus strand): 5'-TCTTCATTTCCAGCACAGGTACGTCAGGTCCTGGCTGCTGGGAATTGGTTTCTGCGCTGG[C>T]CACCGAGGAGGGGGTAGGGACTCTGTTATCAATGCTGGCTGCTGCCTGGGAAAGCTGTGA-3'
Protein context (NP_004371.2, residues 969-989): DNRVPTPSSV[Ala979Thr]SAETNSQQPG